The following is an entry in ClinVar:

ClinVar aggregate classification (germline): Pathogenic (1 of 4 stars; one submission).

Conditions:
Familial adenomatous polyposis 1 (FAP1). Also called: POLYPOSIS, ADENOMATOUS INTESTINAL; FAMILIAL ADENOMATOUS POLYPOSIS 1, ATTENUATED. Identifiers: MedGen C2713442, MONDO:0021056, OMIM 175100. Disease mechanism: loss of function.

Submission:

Labcorp Genetics (formerly Invitae), Labcorp
Classification: Pathogenic for Familial adenomatous polyposis 1. Last evaluated: 2024-04-08. Review status: criteria provided, single submitter. Criteria: Invitae Variant Classification Sherloc (09022015). Collection method: clinical testing. Allele origin: germline.
Comment: This sequence change creates a premature translational stop signal (p.Gln1090Asnfs*36) in the APC gene. While this is not anticipated to result in nonsense mediated decay, it is expected to disrupt the last 1754 amino acid(s) of the APC protein. This variant is not present in population databases (gnomAD no frequency). This variant has not been reported in the literature in individuals affected with APC-related conditions. ClinVar contains an entry for this variant (Variation ID: 1073190). This variant is expected to disrupt the EB1 and HDLG binding sites, which mediate interactions with the cytoskeleton (PMID: 15311282, 17293347). While functional studies have not been performed to directly test the effect on APC protein function, this suggests that disruption of the C-terminal portion of the protein is functionally important. A different truncation (p.Tyr2645Lysfs*14) that lies downstream of this variant has been determined to be pathogenic (PMID: 9824584, 1316610, 27081525, 8381579, 22135120, Invitae). This suggests that deletion of this region of the APC protein is causative of disease. For these reasons, this variant has been classified as Pathogenic.

Literature cited by the submitters: PubMed 15311282; PubMed 17293347; PubMed 9824584; PubMed 1316610; PubMed 27081525; PubMed 8381579; PubMed 22135120.

NM_000038.6(APC):c.3268del (p.Gln1090fs)

Gene: APC (APC regulator of Wnt signaling pathway; plus strand). Cytogenetic location: 5q22.2.
Variant type: Deletion.
Coding change: c.3268del on transcript NM_000038.6 (MANE Select); coding-DNA position 3268, one base deleted (C; older notation c.3268delC).
Protein change: p.Gln1090fs; shifts the reading frame from glutamine 1090.
Molecular consequence: frameshift variant.
Genome position (GRCh38, 1-based): chr5:112,838,862, C deleted; the last of 2 consecutive C bases (chr5:112,838,861-112,838,862); deleting either gives the same sequence. VCF-style (leftmost placement, unchanged base first): chr5-112838860-TC-T. GRCh37 (hg19) VCF-style: chr5-112174557-TC-T.
Other names: c.3268del, p.Gln1090fs (NM_001127510.3, NM_001354895.2); c.3214del, p.Gln1072fs (NM_001127511.3); c.3322del, p.Gln1108fs (NM_001354896.2); c.3298del, p.Gln1100fs (NM_001354897.2); c.3193del, p.Gln1065fs (NM_001354898.2); c.3184del, p.Gln1062fs (NM_001354899.2); c.3145del, p.Gln1049fs (NM_001354900.2); c.3091del, p.Gln1031fs (NM_001354901.2); and 5 more; short protein forms Q1031fs, Q1049fs, Q1062fs, Q1065fs, Q1072fs, Q1090fs, Q1100fs, Q1108fs.
Identifiers: ClinVar variation 1073190 (VCV001073190.10), dbSNP rs2149888377, ClinGen allele CA2497029985.